The following is an entry in ClinVar:

ClinVar aggregate classification (germline): Uncertain significance. Review status: criteria provided, multiple submitters, no conflicts (2 of 4 stars). 2 submissions from 2 submitters: Uncertain significance (2). Last evaluated 2024-04-15.

Allele frequency attached by ClinVar (database versions not stated): gnomAD 0.00001.
gnomAD v4.1: 1 of 1,613,674 alleles (0.000062%); highest among the groups gnomAD compares: African/African-American, 0.0013%; no homozygotes.

Submissions (2):

Labcorp Genetics (formerly Invitae), Labcorp
Classification: Uncertain significance. Last evaluated: 2024-04-15. Review status: criteria provided, single submitter. Criteria: Invitae Variant Classification Sherloc (09022015). Collection method: clinical testing. Allele origin: germline.
Comment: This sequence change replaces asparagine, which is neutral and polar, with serine, which is neutral and polar, at codon 1904 of the FN1 protein (p.Asn1904Ser). This variant is not present in population databases (gnomAD no frequency). This variant has not been reported in the literature in individuals affected with FN1-related conditions. An algorithm developed to predict the effect of missense changes on protein structure and function (PolyPhen-2) suggests that this variant is likely to be disruptive. In summary, the available evidence is currently insufficient to determine the role of this variant in disease. Therefore, it has been classified as a Variant of Uncertain Significance.

Mayo Clinic Laboratories, Mayo Clinic
Classification: Uncertain significance. Last evaluated: 2023-03-31. Review status: criteria provided, single submitter. Criteria: ACMG Guidelines, 2015. Collection method: clinical testing. Allele origin: germline. Observed: 1 variant allele.
Comment: BP4, PM2_supporting

NM_212482.4(FN1):c.5711A>G (p.Asn1904Ser)

Gene: FN1 (fibronectin 1; minus strand). Cytogenetic location: 2q35.
Variant type: single nucleotide variant.
Coding change: c.5711A>G on transcript NM_212482.4 (MANE Select); coding-DNA position 5711, A replaced by G.
Protein change: p.Asn1904Ser; replaces asparagine 1904 with serine.
Molecular consequence: missense variant.
Genome position (GRCh38, 1-based): chr2:215,376,674, T>C on the plus strand (A>G on the coding strand, the complement: FN1 is on the minus strand). VCF-style: chr2-215376674-T-C. GRCh37 (hg19) VCF-style: chr2-216241397-T-C.
Other names: p.Asn1904Ser; c.5711A>G, p.Asn1904Ser (NM_001306129.2); c.5441A>G, p.Asn1814Ser (NM_001306130.2, NM_001365517.2, NM_001365519.2 and 2 more transcripts); c.5168A>G, p.Asn1723Ser (NM_001306131.2, NM_001306132.2, NM_001365523.2 and 2 more transcripts); c.5438A>G, p.Asn1813Ser (NM_001365518.2, NM_001365520.2, NM_001365524.2 and 2 more transcripts); short protein forms N1723S, N1813S, N1814S, N1904S.
Identifiers: ClinVar variation 2682810 (VCV002682810.4), dbSNP rs2057335606, ClinGen allele CA350471776.